The following is an entry in ClinVar:

NM_005515.4(MNX1):c.375CGC[18] (p.Ala134_Gly135insAlaAlaAlaAlaAlaAlaAlaAlaAla)

Genes: MNX1 (motor neuron and pancreas homeobox 1; minus strand), LOC129999736 (ATAC-STARR-seq lymphoblastoid silent region 18858; plus strand). Cytogenetic location: 7q36.3.
Variant type: Microsatellite.
Coding change: c.375CGC[18] on transcript NM_005515.4 (MANE Select); 18 copies in a row of the 3-base unit CGC starting at c.375; the reference has nine copies in a row; nine copies, 27 bases duplicated.
Protein change: p.Ala134_Gly135insAlaAlaAlaAlaAlaAlaAlaAlaAla.
Genome position (GRCh38, 1-based): chr7:157,009,950-157,009,976, GCGGCGGCGGCGGCGGCGGCGGCGGCG duplicated on the plus strand (CGCCGCCGCCGCCGCCGCCGCCGCCGC on the coding strand, the reverse complement: MNX1 is on the minus strand); duplicating any 27 consecutive bases within chr7:157,009,950-157,009,978 gives the same sequence; the position shown is the placement nearest the transcript's 3' end. VCF-style (leftmost placement, unchanged base first): chr7-157009949-A-AGCGGCGGCGGCGGCGGCGGCGGCGGCG. GRCh37 (hg19) VCF-style: chr7-156802643-A-AGCGGCGGCGGCGGCGGCGGCGGCGGCG.
Identifiers: ClinVar variation 3686849 (VCV003686849.2).
Genomic context (GRCh38, chr7:157,009,949, plus strand): 5'-CGCCGGGAGGCCCGCGCCGCCCTGCGCGCCCCCAGGGTGCAGCCCCAGCGCCAGGCCCCC[A>AGCGGCGGCGGCGGCGGCGGCGGCGGCG]GCGGCGGCGGCGGCGGCGGCGGCGGCGGCAGCGGCCGCTGCGCCCGGATGCGCGTGGTGG-3'

ClinVar aggregate classification (germline): Uncertain significance (1 of 4 stars; one submission).

Submission:

Labcorp Genetics (formerly Invitae), Labcorp
Classification: Uncertain significance. Last evaluated: 2024-12-08. Review status: criteria provided, single submitter. Criteria: Invitae Variant Classification Sherloc (09022015). Collection method: clinical testing. Allele origin: germline.
Comment: This variant, c.375_401dup, results in the insertion of 9 amino acid(s) of the MNX1 protein (p.Ala126_Ala134dup), but otherwise preserves the integrity of the reading frame. The frequency data for this variant in the population databases is considered unreliable, as metrics indicate insufficient coverage at this position in the gnomAD database. This variant has not been reported in the literature in individuals affected with MNX1-related conditions. Experimental studies and prediction algorithms are not available or were not evaluated, and the functional significance of this variant is currently unknown. In summary, the available evidence is currently insufficient to determine the role of this variant in disease. Therefore, it has been classified as a Variant of Uncertain Significance.